The following is an entry in ClinVar:

NM_014679.5(CEP57):c.836_838del (p.Gln279del)

Gene: CEP57 (centrosomal protein 57; plus strand). Cytogenetic location: 11q21.
Variant type: Deletion.
Coding change: c.836_838del on transcript NM_014679.5 (MANE Select); coding-DNA positions 836 to 838, 3 bases deleted (AAC; older notation c.836_838delAAC).
Protein change: p.Gln279del; deletes glutamine 279.
Molecular consequence: inframe deletion. On other transcripts: intron variant (1).
Genome position (GRCh38, 1-based): chr11:95,822,527-95,822,529, AAC deleted; deleting any 3 consecutive bases within chr11:95,822,525-95,822,529 gives the same sequence; the c. name uses the placement nearest the transcript's 3' end. VCF-style (leftmost placement, unchanged base first): chr11-95822524-CACA-C. GRCh37 (hg19) VCF-style: chr11-95555688-CACA-C.
Other names: c.809_811del, p.Gln270del (NM_001243776.2); c.755_757del, p.Gln252del (NM_001363604.2); c.807+549_807+551del (NM_001243777.2); c.836_838delAAC (NM_014679.4); c.836_838del (NM_014679.4); short protein forms Q279del, Q252del, Q270del.
Identifiers: ClinVar variation 580252 (VCV000580252.9), dbSNP rs1379170788, ClinGen allele CA476302042.

ClinVar aggregate classification (germline): Uncertain significance. Review status: criteria provided, multiple submitters, no conflicts (2 of 4 stars). 2 submissions from 2 submitters: Uncertain significance (2). Last evaluated 2022-11-11.

Conditions:
Mosaic variegated aneuploidy syndrome 2 (MVA2). Identifiers: Orphanet 1052, MedGen C3279843, MONDO:0013582, OMIM 614114.

Submissions (2):

GeneDx
Classification: Uncertain significance. Last evaluated: 2022-11-11. Review status: criteria provided, single submitter. Criteria: GeneDx Variant Classification Process June 2021. Collection method: clinical testing. Allele origin: germline. Affected: yes.
Comment: In-frame deletion of 1 amino acid in a non-repeat region; In silico analysis supports a deleterious effect on protein structure/function; Has not been previously published as pathogenic or benign to our knowledge

Labcorp Genetics (formerly Invitae), Labcorp
Classification: Uncertain significance for Mosaic variegated aneuploidy syndrome 2. Last evaluated: 2018-04-18. Review status: criteria provided, single submitter. Criteria: Invitae Variant Classification Sherloc (09022015). Collection method: clinical testing. Allele origin: germline.
Comment: This variant is not present in population databases (ExAC no frequency). In summary, the available evidence is currently insufficient to determine the role of this variant in disease. Therefore, it has been classified as a Variant of Uncertain Significance. Experimental studies and prediction algorithms are not available for this variant, and the functional significance of the deleted amino acid is currently unknown. This variant has not been reported in the literature in individuals with CEP57-related disease. This variant, c.836_838delAAC, results in the deletion of 1 amino acid of the CEP57 protein (p.Gln279del), but otherwise preserves the integrity of the reading frame.